The following is an entry in ClinVar:

ClinVar aggregate classification (germline): Benign/Likely benign. Review status: criteria provided, multiple submitters, no conflicts (2 of 4 stars). 3 submissions from 3 submitters: Benign (2); Likely benign (1). Last evaluated 2024-10-18.

Conditions:
NEK9-related disorder. Also called: NEK9-related condition.

Allele frequency attached by ClinVar (database versions not stated): 1000 Genomes Project 30x 0.00016; 1000 Genomes Project 0.00020; ESP Exome Variant Server 0.00023; gnomAD 0.00024 and 0.00029; gnomAD exomes 0.00028 and 0.00046; TOPMed 0.00041; ExAC 0.00047.
gnomAD v4.1: 468 of 1,613,668 alleles (0.029%); highest among the groups gnomAD compares: Middle Eastern, 0.3%; 1 homozygote.

Submissions (3):

PreventionGenetics, part of Exact Sciences
Classification: Likely benign for NEK9-related condition. Last evaluated: 2024-10-18. Review status: criteria provided, single submitter. Criteria: ACMG Guidelines, 2015. Collection method: clinical testing. Allele origin: germline.
Comment: This variant is classified as likely benign based on ACMG/AMP sequence variant interpretation guidelines (Richards et al. 2015 PMID: 25741868, with internal and published modifications).

Labcorp Genetics (formerly Invitae), Labcorp
Classification: Benign. Last evaluated: 2018-07-21. Review status: criteria provided, single submitter. Criteria: Invitae Variant Classification Sherloc (09022015). Collection method: clinical testing. Allele origin: germline.

Breakthrough Genomics
Classification: Benign. Review status: criteria provided, single submitter. Criteria: ACMG Guidelines, 2015. Collection method: not provided. Allele origin: germline. Inheritance: Autosomal recessive inheritance. Affected: yes.

NM_033116.6(NEK9):c.222T>C (p.Asp74=)

Gene: NEK9 (NIMA related kinase 9; minus strand). Cytogenetic location: 14q24.3.
Variant type: single nucleotide variant.
Coding change: c.222T>C on transcript NM_033116.6 (MANE Select); coding-DNA position 222, T replaced by C.
Protein change: p.Asp74=; no amino-acid change (aspartic acid 74 retained).
Molecular consequence: synonymous variant. On other transcripts: 5 prime UTR variant (1).
Genome position (GRCh38, 1-based): chr14:75,124,221, A>G on the plus strand (T>C on the coding strand, the complement: NEK9 is on the minus strand). VCF-style: chr14-75124221-A-G. GRCh37 (hg19) VCF-style: chr14-75590924-A-G.
Other names: c.222T>C, p.Asp74= (NM_001329237.2); c.-133T>C (NM_001329238.2); c.222T>C (NM_033116.5).
Identifiers: ClinVar variation 734719 (VCV000734719.5), dbSNP rs202032678, ClinGen allele CA7277302.